The following is an entry in ClinVar:

ClinVar aggregate classification (germline): Uncertain significance. Review status: criteria provided, multiple submitters, no conflicts (2 of 4 stars). 3 submissions from 3 submitters: Uncertain significance (3). Last evaluated 2025-11-26.

Conditions:
Retinitis pigmentosa 93. Identifiers: MedGen C5676970, MONDO:0030797, OMIM 619845.
COACH syndrome 2. Identifiers: MedGen C5436837, MONDO:0030859, OMIM 619111.
Meckel syndrome, type 6. Identifiers: Orphanet 564, MedGen C2676790, MONDO:0012848, OMIM 612284.
Joubert syndrome 9 (JBTS9). Identifiers: Orphanet 2318, MedGen C2676788, MONDO:0012849, OMIM 612285.
CC2D2A-related disorder. Also called: CC2D2A-related disorders; CC2D2A-related condition. Identifiers: MedGen CN239313.
Joubert syndrome. Also called: Familial aplasia of the vermis; JOUBERT-BOLTSHAUSER SYNDROME. Identifiers: Orphanet 475, MedGen C5979921, MONDO:0018772.
Meckel-Gruber syndrome. Also called: Dysencephalia splachnocystica; DYSENCEPHALIA SPLANCHNOCYSTICA; GRUBER SYNDROME. Identifiers: Orphanet 564, MedGen C0265215, MONDO:0018921.

Submissions (3):

PreventionGenetics, part of Exact Sciences
Classification: Uncertain significance for CC2D2A-related condition. Last evaluated: 2025-11-26. Review status: criteria provided, single submitter. Criteria: ACMG Guidelines, 2015. Collection method: clinical testing. Allele origin: germline.
Comment: The CC2D2A c.3889_3890delinsCG variant is predicted to result in an in-frame deletion and insertion. To our knowledge, this variant has not been reported in the literature or in a large population database (gnomAD), indicating this variant is rare. At this time, the clinical significance of this variant is uncertain due to the absence of conclusive functional and genetic evidence.

Fulgent Genetics
Classification: Uncertain significance for Meckel syndrome, type 6; Joubert syndrome 9; COACH syndrome 2; Retinitis pigmentosa 93. Last evaluated: 2024-05-22. Review status: criteria provided, single submitter. Criteria: ACMG Guidelines, 2015. Collection method: clinical testing. Allele origin: germline.

Labcorp Genetics (formerly Invitae), Labcorp
Classification: Uncertain significance for Joubert syndrome; Meckel-Gruber syndrome. Last evaluated: 2022-06-08. Review status: criteria provided, single submitter. Criteria: Invitae Variant Classification Sherloc (09022015). Collection method: clinical testing. Allele origin: germline.
Comment: This sequence change replaces threonine, which is neutral and polar, with arginine, which is basic and polar, at codon 1297 of the CC2D2A protein (p.Thr1297Arg). Information on the frequency of this variant in the gnomAD database is not available, as this variant may be reported differently in the database. This variant has not been reported in the literature in individuals affected with CC2D2A-related conditions. Algorithms developed to predict the effect of missense changes on protein structure and function are either unavailable or do not agree on the potential impact of this missense change (SIFT: "Not Available"; PolyPhen-2: "Benign"; Align-GVGD: "Not Available"). In summary, the available evidence is currently insufficient to determine the role of this variant in disease. Therefore, it has been classified as a Variant of Uncertain Significance.

NM_001378615.1(CC2D2A):c.3889_3890delinsCG (p.Thr1297Arg)

Genes: CC2D2A (coiled-coil and C2 domain containing 2A; plus strand), FBXL5 (F-box and leucine rich repeat protein 5; minus strand). Cytogenetic location: 4p15.32.
Variant type: Indel.
Coding change: c.3889_3890delinsCG on transcript NM_001378615.1 (MANE Select); coding-DNA positions 3889 to 3890, AC replaced by CG.
Protein change: p.Thr1297Arg; replaces threonine 1297 with arginine.
Molecular consequence: missense variant.
Genome position (GRCh38, 1-based): chr4:15,580,085-15,580,086, AC replaced by CG. VCF-style: chr4-15580085-AC-CG. GRCh37 (hg19) VCF-style: chr4-15581708-AC-CG.
Other names: c.3889_3890delinsCG, p.Thr1297Arg (NM_001080522.2); c.3742_3743delinsCG, p.Thr1248Arg (NM_001378617.1); short protein forms T1248R, T1297R.
Identifiers: ClinVar variation 1905199 (VCV001905199.4), dbSNP rs2475106259, ClinGen allele CA2580070873.